The following is an entry in ClinVar:

ClinVar aggregate classification (germline): Uncertain significance (1 of 4 stars; one submission).

Conditions:
Cortical dysplasia-focal epilepsy syndrome (PTHSL1). Also called: Pitt-Hopkins-like syndrome 1. Identifiers: Orphanet 163681, Orphanet 221150, MedGen C2750246, MONDO:0012400, OMIM 610042.

Submission:

Labcorp Genetics (formerly Invitae), Labcorp
Classification: Uncertain significance for Cortical dysplasia-focal epilepsy syndrome. Last evaluated: 2018-11-07. Review status: criteria provided, single submitter. Criteria: Invitae Variant Classification Sherloc (09022015). Collection method: clinical testing. Allele origin: germline.
Comment: In summary, the available evidence is currently insufficient to determine the role of this variant in disease. Therefore, it has been classified as a Variant of Uncertain Significance. Algorithms developed to predict the effect of missense changes on protein structure and function do not agree on the potential impact of this missense change (SIFT: "Deleterious"; PolyPhen-2: "Benign"; Align-GVGD: "Class C55"). This variant has not been reported in the literature in individuals with CNTNAP2-related disease. This variant is not present in population databases (ExAC no frequency). This sequence change replaces glycine with alanine at codon 724 of the CNTNAP2 protein (p.Gly724Ala). The glycine residue is highly conserved and there is a small physicochemical difference between glycine and alanine.

NM_014141.6(CNTNAP2):c.2171G>C (p.Gly724Ala)

Gene: CNTNAP2 (contactin associated protein 2; plus strand). Cytogenetic location: 7q35.
Variant type: single nucleotide variant.
Coding change: c.2171G>C on transcript NM_014141.6 (MANE Select); coding-DNA position 2171, G replaced by C.
Protein change: p.Gly724Ala; replaces glycine 724 with alanine.
Molecular consequence: missense variant.
Genome position (GRCh38, 1-based): chr7:147,903,637, G>C. VCF-style: chr7-147903637-G-C. GRCh37 (hg19) VCF-style: chr7-147600729-G-C.
Other names: short protein forms G724A.
Identifiers: ClinVar variation 536314 (VCV000536314.8), dbSNP rs1554447808, ClinGen allele CA369926949.